The following is an entry in ClinVar:

ClinVar aggregate classification (germline): Uncertain significance. Review status: criteria provided, multiple submitters, no conflicts (2 of 4 stars). 3 submissions from 3 submitters: Uncertain significance (3). Last evaluated 2026-02-02.

Conditions:
MPV17-related disorder. Also called: MPV17-related disorders; MPV17-related condition. Identifiers: MedGen CN239328.
Inborn genetic diseases. Identifiers: MedGen C0950123, MeSH D030342.

Allele frequency attached by ClinVar (database versions not stated): ExAC 0.00002; gnomAD 0.00003; TOPMed 0.00004; ESP Exome Variant Server 0.00008.
gnomAD v4.1: 21 of 1,613,600 alleles (0.0013%); highest among the groups gnomAD compares: African/African-American, 0.004%; no homozygotes.

Submissions (3):

PreventionGenetics, part of Exact Sciences
Classification: Uncertain significance for MPV17-related condition. Last evaluated: 2026-02-02. Review status: criteria provided, single submitter. Criteria: ACMG Guidelines, 2015. Collection method: clinical testing. Allele origin: germline.
Comment: The MPV17 c.523C>T variant is predicted to result in the amino acid substitution p.Arg175Trp. To our knowledge, this variant has not been reported in the literature. This variant is reported in 0.018% of alleles in individuals of African descent in gnomAD. At this time, the clinical significance of this variant is uncertain due to the absence of conclusive functional and genetic evidence.

Ambry Genetics
Classification: Uncertain significance for Inborn genetic diseases. Last evaluated: 2023-06-22. Review status: criteria provided, single submitter. Criteria: Ambry Variant Classification Scheme 2023. Collection method: clinical testing. Allele origin: germline.

Eurofins Ntd Llc (ga)
Classification: Uncertain significance. Last evaluated: 2017-11-08. Review status: criteria provided, single submitter. Criteria: EGL Classification Definitions 2015. Collection method: clinical testing. Allele origin: germline. Observed: 1 variant allele, 1 heterozygote.

NM_002437.5(MPV17):c.523C>T (p.Arg175Trp)

Gene: MPV17 (mitochondrial inner membrane protein MPV17; minus strand). Cytogenetic location: 2p23.3.
Variant type: single nucleotide variant.
Coding change: c.523C>T on transcript NM_002437.5 (MANE Select); coding-DNA position 523, C replaced by T.
Protein change: p.Arg175Trp; replaces arginine 175 with tryptophan.
Molecular consequence: missense variant.
Genome position (GRCh38, 1-based): chr2:27,309,920, G>A on the plus strand (C>T on the coding strand, the complement: MPV17 is on the minus strand). VCF-style: chr2-27309920-G-A. GRCh37 (hg19) VCF-style: chr2-27532788-G-A.
Other names: c.523C>T (NM_002437.4); short protein forms R175W.
Identifiers: ClinVar variation 594944 (VCV000594944.8), dbSNP rs374686068, ClinGen allele CA1575462.